The following is an entry in ClinVar:

NM_031293.3(PMFBP1):c.1888G>T (p.Glu630Ter)

Gene: PMFBP1 (polyamine modulated factor 1 binding protein 1; minus strand). Cytogenetic location: 16q22.2.
Variant type: single nucleotide variant.
Coding change: c.1888G>T on transcript NM_031293.3 (MANE Select); coding-DNA position 1888, G replaced by T.
Protein change: p.Glu630Ter; replaces glutamic acid 630 with a stop codon.
Molecular consequence: nonsense.
Genome position (GRCh38, 1-based): chr16:72,129,128, C>A on the plus strand (G>T on the coding strand, the complement: PMFBP1 is on the minus strand). VCF-style: chr16-72129128-C-A. GRCh37 (hg19) VCF-style: chr16-72163027-C-A.
Other names: p.Glu630Ter; c.1453G>T, p.Glu485Ter (NM_001160213.2); short protein forms E485*, E630*.
Identifiers: ClinVar variation 2499679 (VCV002499679.2), dbSNP rs767705612, ClinGen allele CA8161546.

ClinVar aggregate classification (germline): Likely pathogenic (1 of 4 stars; one submission).

Conditions:
Spermatogenic failure 31. Identifiers: MedGen C4748234, MONDO:0020852, OMIM 618112.

Allele frequency attached by ClinVar (database versions not stated): ExAC 0.00001.
gnomAD v4.1: 5 of 1,614,266 alleles (0.00031%); highest among the groups gnomAD compares: South Asian, 0.0055%; no homozygotes.

Submission:

Foundation for Research in Genetics and Endocrinology, FRIGE's Institute of Human Genetics
Classification: Likely pathogenic for Spermatogenic failure 31. Last evaluated: 2023-04-21. Review status: criteria provided, single submitter. Criteria: ACMG Guidelines, 2015. Collection method: clinical testing. Allele origin: germline. Inheritance: Autosomal recessive inheritance. Affected: yes. Observed: 1 compound heterozygote.
Comment: A heterozygous missense variation in exon 13 of the PMFBP1 gene that results in premature stop codon was detected.. The observed variant c.1888G>T (p.Glu630Ter) not observed in the 1000Genomes database and have MAF of 0.0003% in the gnomAD database. The in silico prediction of the variant is damaging by BayesDEL. The reference codon is conserved across species. In summary, the variant meets our criteria to be classified as a variant of uncertain significance.